The following is an entry in ClinVar:

NM_001035.3(RYR2):c.4475A>T (p.Glu1492Val)

Gene: RYR2 (ryanodine receptor 2; plus strand). Cytogenetic location: 1q43.
Variant type: single nucleotide variant.
Coding change: c.4475A>T on transcript NM_001035.3 (MANE Select); coding-DNA position 4475, A replaced by T.
Protein change: p.Glu1492Val; replaces glutamic acid 1492 with valine.
Molecular consequence: missense variant.
Genome position (GRCh38, 1-based): chr1:237,595,536, A>T. VCF-style: chr1-237595536-A-T. GRCh37 (hg19) VCF-style: chr1-237758836-A-T.
Other names: short protein forms E1492V.
Identifiers: ClinVar variation 3704723 (VCV003704723.2).
Genomic context (GRCh38, chr1:237,595,536, plus strand): 5'-AAAATGTTCTTTTGAAATTCAGCATCAAACGCAGCAACTGCTATATGGTATGTGCGGGTG[A>T]GAGCATGAGCCCCGGGCAAGGACGCAACAATAATGGACTGGAGATTGGCTGTGTGGTGGA-3'
Protein context (NP_001026.2, residues 1482-1502): RSNCYMVCAG[Glu1492Val]SMSPGQGRNN

ClinVar aggregate classification (germline): Uncertain significance (1 of 4 stars; one submission).

Conditions:
Catecholaminergic polymorphic ventricular tachycardia 1. Also called: VENTRICULAR TACHYCARDIA, STRESS-INDUCED POLYMORPHIC 1; VENTRICULAR TACHYCARDIA, CATECHOLAMINERGIC POLYMORPHIC, 1, WITH OR WITHOUT ATRIAL DYSFUNCTION AND/OR DILATED CARDIOMYOPATHY; RYR2-Related Catecholaminergic Polymorphic Ventricular Tachycardia. Identifiers: Orphanet 3286, MedGen C1631597, MONDO:0011484, OMIM 604772.

Submission:

Labcorp Genetics (formerly Invitae), Labcorp
Classification: Uncertain significance for Catecholaminergic polymorphic ventricular tachycardia 1. Last evaluated: 2024-07-16. Review status: criteria provided, single submitter. Criteria: Invitae Variant Classification Sherloc (09022015). Collection method: clinical testing. Allele origin: germline.
Comment: This sequence change replaces glutamic acid, which is acidic and polar, with valine, which is neutral and non-polar, at codon 1492 of the RYR2 protein (p.Glu1492Val). This variant is not present in population databases (gnomAD no frequency). This variant has not been reported in the literature in individuals affected with RYR2-related conditions. Advanced modeling of protein sequence and biophysical properties (such as structural, functional, and spatial information, amino acid conservation, physicochemical variation, residue mobility, and thermodynamic stability) performed at Invitae indicates that this missense variant is not expected to disrupt RYR2 protein function with a negative predictive value of 95%. In summary, the available evidence is currently insufficient to determine the role of this variant in disease. Therefore, it has been classified as a Variant of Uncertain Significance.